The following is an entry in ClinVar:

ClinVar aggregate classification (germline): Uncertain significance (1 of 4 stars; one submission).

Conditions:
Charcot-Marie-Tooth disease axonal type 2F (CMT2F). Also called: CHARCOT-MARIE-TOOTH DISEASE, NEURONAL, TYPE 2F; Charcot-Marie-Tooth Neuropathy Type 2F. Identifiers: Orphanet 99940, MedGen C1847823, MONDO:0011687, OMIM 606595.

Allele frequency attached by ClinVar (database versions not stated): gnomAD exomes below 0.00001.
gnomAD v4.1: 1 of 1,523,658 alleles (0.000066%); highest among the groups gnomAD compares: Non-Finnish European, 0.000088%; no homozygotes.

Submission:

Labcorp Genetics (formerly Invitae), Labcorp
Classification: Uncertain significance for Charcot-Marie-Tooth disease axonal type 2F. Last evaluated: 2022-05-09. Review status: criteria provided, single submitter. Criteria: Invitae Variant Classification Sherloc (09022015). Collection method: clinical testing. Allele origin: germline.
Comment: In summary, the available evidence is currently insufficient to determine the role of this variant in disease. Therefore, it has been classified as a Variant of Uncertain Significance. Algorithms developed to predict the effect of missense changes on protein structure and function output the following: SIFT: "Tolerated"; PolyPhen-2: "Benign"; Align-GVGD: "Class C15". The serine amino acid residue is found in multiple mammalian species, which suggests that this missense change does not adversely affect protein function. This variant has not been reported in the literature in individuals affected with HSPB1-related conditions. This variant is not present in population databases (gnomAD no frequency). This sequence change replaces threonine, which is neutral and polar, with serine, which is neutral and polar, at codon 121 of the HSPB1 protein (p.Thr121Ser).

NM_001540.5(HSPB1):c.362C>G (p.Thr121Ser)

Gene: HSPB1 (heat shock protein family B (small) member 1; plus strand). Cytogenetic location: 7q11.23.
Variant type: single nucleotide variant.
Coding change: c.362C>G on transcript NM_001540.5 (MANE Select); coding-DNA position 362, C replaced by G.
Protein change: p.Thr121Ser; replaces threonine 121 with serine.
Molecular consequence: missense variant.
Genome position (GRCh38, 1-based): chr7:76,303,074, C>G. VCF-style: chr7-76303074-C-G. GRCh37 (hg19) VCF-style: chr7-75932391-C-G.
Other names: short protein forms T121S.
Identifiers: ClinVar variation 2135818 (VCV002135818.4), dbSNP rs2536149806, ClinGen allele CA367763854.
Genomic context (GRCh38, chr7:76,303,074, plus strand): 5'-TCAACCACTTCGCCCCGGACGAGCTGACGGTCAAGACCAAGGATGGCGTGGTGGAGATCA[C>G]CGGTGAGCCCCCCTGCTCCTGCAGGGGAGAGGAGGAGGCTAGCAGGGCGGGCAGGGCCGG-3'
Protein context (NP_001531.1, residues 111-131): VKTKDGVVEI[Thr121Ser]GKHEERQDEH